The following is an entry in ClinVar:

ClinVar aggregate classification (germline): Uncertain significance (1 of 4 stars; one submission).

gnomAD v4.1: 1 of 1,465,256 alleles (0.000068%); highest among the groups gnomAD compares: Non-Finnish European, 0.00009%; no homozygotes.

Submission:

Labcorp Genetics (formerly Invitae), Labcorp
Classification: Uncertain significance. Last evaluated: 2023-11-11. Review status: criteria provided, single submitter. Criteria: Invitae Variant Classification Sherloc (09022015). Collection method: clinical testing. Allele origin: germline.
Comment: This sequence change replaces threonine, which is neutral and polar, with methionine, which is neutral and non-polar, at codon 295 of the BCL11B protein (p.Thr295Met). This variant is not present in population databases (gnomAD no frequency). This variant has not been reported in the literature in individuals affected with BCL11B-related conditions. Advanced modeling of protein sequence and biophysical properties (such as structural, functional, and spatial information, amino acid conservation, physicochemical variation, residue mobility, and thermodynamic stability) performed at Invitae indicates that this missense variant is not expected to disrupt BCL11B protein function with a negative predictive value of 80%. In summary, the available evidence is currently insufficient to determine the role of this variant in disease. Therefore, it has been classified as a Variant of Uncertain Significance.

NM_138576.4(BCL11B):c.884C>T (p.Thr295Met)

Gene: BCL11B (BCL11 transcription factor B; minus strand). Cytogenetic location: 14q32.2.
Variant type: single nucleotide variant.
Coding change: c.884C>T on transcript NM_138576.4 (MANE Select); coding-DNA position 884, C replaced by T.
Protein change: p.Thr295Met; replaces threonine 295 with methionine.
Molecular consequence: missense variant.
Genome position (GRCh38, 1-based): chr14:99,175,952, G>A on the plus strand (C>T on the coding strand, the complement: BCL11B is on the minus strand). VCF-style: chr14-99175952-G-A. GRCh37 (hg19) VCF-style: chr14-99642289-G-A.
Other names: c.881C>T, p.Thr294Met (NM_001282237.2); c.668C>T, p.Thr223Met (NM_001282238.2); c.671C>T, p.Thr224Met (NM_022898.3); short protein forms T294M, T295M, T224M, T223M.
Identifiers: ClinVar variation 2988925 (VCV002988925.3), dbSNP rs781745569, ClinGen allele CA390936563.